The following is an entry in ClinVar:

ClinVar aggregate classification (germline): Pathogenic/Likely pathogenic. Review status: criteria provided, multiple submitters, no conflicts (2 of 4 stars). 3 submissions from 3 submitters: Pathogenic (1); Likely pathogenic (2). Last evaluated 2026-01-24.

Conditions:
TRIM32-related disorder. Also called: TRIM32-related condition.
Bardet-Biedl syndrome (BBS). Identifiers: Orphanet 110, MedGen C0752166, MONDO:0015229.

Submissions (3):

Labcorp Genetics (formerly Invitae), Labcorp
Classification: Pathogenic for Bardet-Biedl syndrome. Last evaluated: 2026-01-24. Review status: criteria provided, single submitter. Criteria: Invitae Variant Classification Sherloc (09022015). Collection method: clinical testing. Allele origin: germline.
Comment: This sequence change creates a premature translational stop signal (p.Glu524Profs*8) in the TRIM32 gene. While this is not anticipated to result in nonsense mediated decay, it is expected to disrupt the last 130 amino acid(s) of the TRIM32 protein. This variant is present in population databases (no rsID available, gnomAD 0.01%). This premature translational stop signal has been observed in individual(s) with limb girdle muscular dystrophy (PMID: 30564623). ClinVar contains an entry for this variant (Variation ID: 289166). This variant disrupts a region of the TRIM32 protein in which other variant(s) (p.Gly562Valfs*61) have been determined to be pathogenic (internal data). This suggests that this is a clinically significant region of the protein, and that variants that disrupt it are likely to be disease-causing. For these reasons, this variant has been classified as Pathogenic.

PreventionGenetics, part of Exact Sciences
Classification: Likely pathogenic for TRIM32-related condition. Last evaluated: 2025-12-04. Review status: criteria provided, single submitter. Criteria: ACMG Guidelines, 2015. Collection method: clinical testing. Allele origin: germline.
Comment: The TRIM32 c.1569_1575del7 variant is predicted to result in a frameshift and premature protein termination (p.Glu524Profs*8). This variant, along with a second TRIM32 variant, has been reported in an individual with limb‐girdle muscular dystrophies. However, this patient was also heterozygous for a pathogenic CAV3 variant (Table S1, Patient 30, Nallamilli et al. 2018. PubMed ID: 30564623). This variant is reported in 0.011% of alleles in individuals of African descent in gnomAD. Frameshift variants in TRIM32 are expected to be pathogenic. This variant is interpreted as likely pathogenic.

Eurofins Ntd Llc (ga)
Classification: Likely pathogenic. Last evaluated: 2016-07-18. Review status: criteria provided, single submitter. Criteria: EGL Classification Definitions 2015. Collection method: clinical testing. Allele origin: germline. Observed: 1 variant allele, 1 heterozygote.

Literature cited by the submitters: PubMed 30564623 (cited by Labcorp Genetics (formerly Invitae), Labcorp).

NM_012210.4(TRIM32):c.1569_1575del (p.Glu524fs)

Genes: ASTN2 (astrotactin 2; minus strand), TRIM32 (tripartite motif containing 32; plus strand). Cytogenetic location: 9q33.1.
Variant type: Deletion.
Coding change: c.1569_1575del on transcript NM_012210.4 (MANE Select); coding-DNA positions 1569 to 1575, 7 bases deleted (TGAGGGC; older notation c.1569_1575delTGAGGGC).
Protein change: p.Glu524fs; shifts the reading frame from glutamic acid 524.
Molecular consequence: frameshift variant. On other transcripts: intron variant (3).
Genome position (GRCh38, 1-based): chr9:116,699,311-116,699,317, TGAGGGC deleted; deleting any 7 consecutive bases within chr9:116,699,309-116,699,317 gives the same sequence; the c. name uses the placement nearest the transcript's 3' end. VCF-style (leftmost placement, unchanged base first): chr9-116699308-TGCTGAGG-T. GRCh37 (hg19) VCF-style: chr9-119461587-TGCTGAGG-T.
Other names: c.1569_1575del, p.Glu524fs (NM_001099679.2, NM_001379048.1, NM_001379049.1 and 1 more transcripts); c.1569_1575del7 (NM_012210.3); c.1569_1575delTGAGGGC, p.Glu524Profs (NM_012210.3); c.2653+26456_2653+26462del (NM_014010.5); c.2794+26456_2794+26462del (NM_001365069.1); c.2806+26456_2806+26462del (NM_001365068.1); short protein forms E524fs.
Identifiers: ClinVar variation 289166 (VCV000289166.16), dbSNP rs886044106, ClinGen allele CA10606355.